The following is an entry in ClinVar:

ClinVar aggregate classification (germline): Conflicting classifications of pathogenicity. Review status: criteria provided, conflicting classifications (1 of 4 stars). 9 submissions from 9 submitters: Uncertain significance (2); Benign (1); Likely benign (6). Last evaluated 2026-01-28.

Conditions:
Cardiovascular phenotype. Identifiers: MedGen CN230736.
Cardiomyopathy (CMYO). Also called: Cardiomyopathies. Identifiers: Orphanet 167848, MedGen C0878544, MONDO:0004994, HP:0001638. Inheritance: Various modes of inheritance.
Amyloidosis, hereditary systemic 1 (AMYLD1). Also called: Familial amyloid polyneuropathy; Hereditary oculoleptomeningeal amyloid angiopathy; Familial Transthyretin Amyloidosis; AMYLOID CARDIOMYOPATHY; Hereditary Transthyretin Amyloidosis; Isolated Cardiac Amyloidosis. Identifiers: Orphanet 85447, Orphanet 85451, MedGen C2751492, MONDO:0971004, OMIM 105210.
Hypertrophic cardiomyopathy 8. Also called: CARDIOMYOPATHY, HYPERTROPHIC, MID-LEFT VENTRICULAR CHAMBER TYPE, 1; MYL3-Related Familial Hypertrophic Cardiomyopathy. Identifiers: MedGen C1837471, MONDO:0012111, OMIM 608751.
Hypertrophic cardiomyopathy. Also called: HYPERTROPHIC MYOCARDIOPATHY. Identifiers: Orphanet 217569, MedGen C0007194, MeSH D002312, MONDO:0005045, HP:0001639.

Allele frequency attached by ClinVar (database versions not stated): gnomAD 0.00003 and 0.00005; TOPMed 0.00005; gnomAD exomes 0.00008; ExAC 0.00011; 1000 Genomes Project 30x 0.00016; 1000 Genomes Project 0.00020.
gnomAD v4.1: 48 of 1,614,100 alleles (0.003%); highest among the groups gnomAD compares: East Asian, 0.067%; no homozygotes.

Submissions (9):

Labcorp Genetics (formerly Invitae), Labcorp
Classification: Likely benign for Hypertrophic cardiomyopathy. Last evaluated: 2026-01-28. Review status: criteria provided, single submitter. Criteria: Invitae Variant Classification Sherloc (09022015). Collection method: clinical testing. Allele origin: germline.

Women's Health and Genetics/Laboratory Corporation of America, LabCorp
Classification: Likely benign. Last evaluated: 2024-12-17. Review status: criteria provided, single submitter. Criteria: LabCorp Variant Classification Summary - May 2015. Collection method: clinical testing. Allele origin: germline.
Comment: Variant summary: MYL3 c.92G>A (p.Arg31His) results in a non-conservative amino acid change in the encoded protein sequence. Four of five in-silico tools predict a benign effect of the variant on protein function. The variant allele was found at a frequency of 9.2e-05 in 281736 control chromosomes, predominantly at a frequency of 0.0011 within the East Asian subpopulation in the gnomAD database. The observed variant frequency within East Asian control individuals in the gnomAD database is approximately 44-fold of the estimated maximal expected allele frequency for a pathogenic variant in MYL3 causing Hypertrophic Cardiomyopathy phenotype (2.5e-05). c.92G>A has been reported in the literature in individuals affected with Hypertrophic Cardiomyopathy (e.g. Pua_2020), however, no convincing evidence for causality was provided. These report(s) do not provide unequivocal conclusions about association of the variant with Hypertrophic Cardiomyopathy. To our knowledge, no experimental evidence demonstrating an impact on protein function has been reported. ClinVar contains an entry for this variant (Variation ID: 228936). Based on the evidence outlined above, the variant was classified as likely benign.

Blueprint Genetics
Classification: Likely benign. Last evaluated: 2024-07-26. Review status: criteria provided, single submitter. Criteria: ACMG Guidelines, 2015. Collection method: clinical testing. Allele origin: germline.

Fulgent Genetics
Classification: Uncertain significance for Hypertrophic cardiomyopathy 8. Last evaluated: 2024-01-26. Review status: criteria provided, single submitter. Criteria: ACMG Guidelines, 2015. Collection method: clinical testing. Allele origin: germline.

Ambry Genetics
Classification: Likely benign for Cardiovascular phenotype. Last evaluated: 2023-10-05. Review status: criteria provided, single submitter. Criteria: Ambry Variant Classification Scheme 2023. Collection method: clinical testing. Allele origin: germline.

Color Diagnostics, LLC DBA Color Health
Classification: Likely benign for Cardiomyopathy. Last evaluated: 2020-08-27. Review status: criteria provided, single submitter. Criteria: ACMG Guidelines, 2015. Collection method: clinical testing. Allele origin: germline.

Center for Advanced Laboratory Medicine, UC San Diego Health, University of California San Diego
Classification: Likely benign for Hereditary transthyretin amyloidosis. Last evaluated: 2019-05-20. Review status: criteria provided, single submitter. Criteria: ACMG Guidelines, 2015. Collection method: clinical testing. Allele origin: germline. Affected: yes. Observed: 1 variant allele.

CHEO Genetics Diagnostic Laboratory, Children's Hospital of Eastern Ontario
Classification: Benign for Cardiomyopathy. Last evaluated: 2018-04-13. Review status: criteria provided, single submitter. Criteria: ACMG Guidelines, 2015. Collection method: clinical testing. Allele origin: germline.

Laboratory for Molecular Medicine, Mass General Brigham Personalized Medicine
Classification: Uncertain significance. Last evaluated: 2015-01-19. Review status: criteria provided, single submitter. Criteria: LMM Criteria. Collection method: clinical testing. Allele origin: germline. Observed: 1 variant allele.
Comment: Variant classified as Uncertain Significance - Favor Benign. The p.Arg31His vari ant in MYL3 has not been previously reported in individuals with cardiomyopathy, but has been identified in 0.15% (13/8764) of East Asian chromosomes by the Exo me Aggregation Consortium (ExAC; dbSNP rs1996399 40) and 1/427 healthy controls from one study (Kapplinger 2014). Arginine (Arg) at position 31 is not conserved in mammals or in evolutionarily distant species and 1 mammal species (manatee) carries a histidine (His) at this position, raisi ng the possibility that this change may be tolerated. In summary, while the clin ical significance of the p.Arg31His variant is uncertain, its presence in genera l population and lack of evolutionarily conservation suggest that it is more lik ely to be benign.

Literature cited by the submitters: PubMed 32815737 (cited by Women's Health and Genetics/Laboratory Corporation of America, LabCorp and Ambry Genetics); PubMed 24510615 (cited by Laboratory for Molecular Medicine, Mass General Brigham Personalized Medicine).

NM_000258.3(MYL3):c.92G>A (p.Arg31His)

Gene: MYL3 (myosin light chain 3; minus strand). Cytogenetic location: 3p21.31.
Variant type: single nucleotide variant.
Coding change: c.92G>A on transcript NM_000258.3 (MANE Select); coding-DNA position 92, G replaced by A.
Protein change: p.Arg31His; replaces arginine 31 with histidine.
Molecular consequence: missense variant.
Genome position (GRCh38, 1-based): chr3:46,863,299, C>T on the plus strand (G>A on the coding strand, the complement: MYL3 is on the minus strand). VCF-style: chr3-46863299-C-T. GRCh37 (hg19) VCF-style: chr3-46904789-C-T.
Other names: short protein forms R31H.
Identifiers: ClinVar variation 228936 (VCV000228936.24), dbSNP rs199639940, ClinGen allele CA045250.
Genomic context (GRCh38, chr3:46,863,299, plus strand): 5'-CACCACCCAGCTTCCATACCCACCTTGATCTTGGAAGCATCAAACTCGACCTCCTTAGGG[C>T]GCTCAGGCTCAGGGGGAGGTGCGGGAGCTGGAGCTGCCTTGGGGGCTGCCTTGGCATCAT-3'
Protein context (NP_000249.1, residues 21-41): PAPAPPPEPE[Arg31His]PKEVEFDASK